The following is an entry in ClinVar:

NM_000878.5(IL2RB):c.158C>G (p.Ala53Gly)

Gene: IL2RB (interleukin 2 receptor subunit beta; minus strand). Cytogenetic location: 22q12.3.
Variant type: single nucleotide variant.
Coding change: c.158C>G on transcript NM_000878.5 (MANE Select); coding-DNA position 158, C replaced by G.
Protein change: p.Ala53Gly; replaces alanine 53 with glycine.
Molecular consequence: missense variant.
Genome position (GRCh38, 1-based): chr22:37,143,566, G>C on the plus strand (C>G on the coding strand, the complement: IL2RB is on the minus strand). VCF-style: chr22-37143566-G-C. GRCh37 (hg19) VCF-style: chr22-37539606-G-C.
Other names: c.158C>G, p.Ala53Gly (NM_001346223.2, NM_001346222.1); short protein forms A53G.
Identifiers: ClinVar variation 1476096 (VCV001476096.8), dbSNP rs2146244862, ClinGen allele CA411429516.

ClinVar aggregate classification (germline): Uncertain significance (1 of 4 stars; one submission).

Allele frequency attached by ClinVar (database versions not stated): gnomAD exomes below 0.00001.
gnomAD v4.1: 1 of 1,614,072 alleles (0.000062%); highest among the groups gnomAD compares: Non-Finnish European, 0.000085%; no homozygotes.

Submission:

Labcorp Genetics (formerly Invitae), Labcorp
Classification: Uncertain significance. Last evaluated: 2024-10-29. Review status: criteria provided, single submitter. Criteria: Invitae Variant Classification Sherloc (09022015). Collection method: clinical testing. Allele origin: germline.
Comment: This sequence change replaces alanine, which is neutral and non-polar, with glycine, which is neutral and non-polar, at codon 53 of the IL2RB protein (p.Ala53Gly). This variant is not present in population databases (gnomAD no frequency). This variant has not been reported in the literature in individuals affected with IL2RB-related conditions. ClinVar contains an entry for this variant (Variation ID: 1476096). An algorithm developed to predict the effect of missense changes on protein structure and function outputs the following: PolyPhen-2: "Benign". The glycine amino acid residue is found in multiple mammalian species, which suggests that this missense change does not adversely affect protein function. In summary, the available evidence is currently insufficient to determine the role of this variant in disease. Therefore, it has been classified as a Variant of Uncertain Significance.